The following is an entry in ClinVar:

NM_004672.5(MAP3K6):c.598G>T (p.Asp200Tyr)

Gene: MAP3K6 (mitogen-activated protein kinase kinase kinase 6; minus strand). Cytogenetic location: 1p36.11.
Variant type: single nucleotide variant.
Coding change: c.598G>T on transcript NM_004672.5 (MANE Select); coding-DNA position 598, G replaced by T.
Protein change: p.Asp200Tyr; replaces aspartic acid 200 with tyrosine.
Molecular consequence: missense variant.
Genome position (GRCh38, 1-based): chr1:27,364,301, C>A on the plus strand (G>T on the coding strand, the complement: MAP3K6 is on the minus strand). VCF-style: chr1-27364301-C-A. GRCh37 (hg19) VCF-style: chr1-27690792-C-A.
Other names: c.574G>T, p.Asp192Tyr (NM_001297609.2); short protein forms D192Y, D200Y.
Identifiers: ClinVar variation 3050855 (VCV003050855.10), dbSNP rs41291098, ClinGen allele CA714070.

ClinVar aggregate classification (germline): Likely benign. Review status: criteria provided, single submitter (1 of 4 stars). 2 submissions from 2 submitters: Likely benign (1). 1 of the submissions does not count toward it. Last evaluated 2025-08-01.

Conditions:
MAP3K6-related disorder. Also called: MAP3K6-related condition.

Allele frequency attached by ClinVar (database versions not stated): 1000 Genomes Project 0.00100; 1000 Genomes Project 30x 0.00125; TOPMed 0.00224; gnomAD 0.00265; ESP Exome Variant Server 0.00284; ExAC 0.00295; gnomAD exomes 0.00397.
gnomAD v4.1: 6,170 of 1,614,024 alleles (0.38%); highest among the groups gnomAD compares: Non-Finnish European, 0.46%; 19 homozygotes.

Submissions (2):

CeGaT Center for Human Genetics Tuebingen
Classification: Likely benign. Last evaluated: 2025-08-01. Review status: criteria provided, single submitter. Criteria: CeGaT Center For Human Genetics Tuebingen Variant Classification Criteria Version 2. Collection method: clinical testing. Allele origin: germline. Affected: yes. Observed: 1 variant allele.
Comment: MAP3K6: BS1

PreventionGenetics, part of Exact Sciences
Classification: Likely benign for MAP3K6-related condition. Last evaluated: 2019-02-19. Review status: no assertion criteria provided. Collection method: clinical testing. Allele origin: germline. Not counted in ClinVar's aggregate classification.
Comment: This variant is classified as likely benign based on ACMG/AMP sequence variant interpretation guidelines (Richards et al. 2015 PMID: 25741868, with internal and published modifications).